The following is an entry in ClinVar:

NM_001099922.3(ALG13):c.1304A>G (p.Asn435Ser)

Gene: ALG13 (ALG13 UDP-N-acetylglucosaminyltransferase subunit; plus strand). Cytogenetic location: Xq23.
Variant type: single nucleotide variant.
Coding change: c.1304A>G on transcript NM_001099922.3 (MANE Select); coding-DNA position 1304, A replaced by G.
Protein change: p.Asn435Ser; replaces asparagine 435 with serine.
Molecular consequence: missense variant. On other transcripts: non-coding transcript variant (1).
Genome position (GRCh38, 1-based): chrX:111,720,148, A>G. VCF-style: chrX-111720148-A-G. GRCh37 (hg19) VCF-style: chrX-110963376-A-G.
Other names: c.992A>G, p.Asn331Ser (NM_001257230.2, NM_001257234.2, NM_001257237.2 and 1 more transcripts); c.1070A>G, p.Asn357Ser (NM_001257231.2); c.1304A>G, p.Asn435Ser (NM_001324292.2); short protein forms N435S, N331S, N357S.
Identifiers: ClinVar variation 373473 (VCV000373473.13), dbSNP rs747478031, ClinGen allele CA10493690.

ClinVar aggregate classification (germline): Conflicting classifications of pathogenicity. Review status: criteria provided, conflicting classifications (1 of 4 stars). 3 submissions from 3 submitters: Uncertain significance (1); Benign (1); Likely benign (1). Last evaluated 2026-01-12.

Conditions:
Developmental and epileptic encephalopathy, 36 (DEE36). Also called: Epileptic encephalopathy, early infantile, 36; ALG13-CDG; Congenital disorder of glycosylation, type Is. Identifiers: Orphanet 324422, MedGen C4317295, MONDO:0010472, OMIM 300884.

Allele frequency attached by ClinVar (database versions not stated): gnomAD 0.00004 and 0.00005; gnomAD exomes 0.00004 and 0.00021; TOPMed 0.00007; ExAC 0.00025.
gnomAD v4.1: 50 of 1,186,141 alleles (0.0042%); highest among the groups gnomAD compares: Admixed American, 0.099%; no homozygotes.

Submissions (3):

Labcorp Genetics (formerly Invitae), Labcorp
Classification: Likely benign for Developmental and epileptic encephalopathy, 36. Last evaluated: 2026-01-12. Review status: criteria provided, single submitter. Criteria: Invitae Variant Classification Sherloc (09022015). Collection method: clinical testing. Allele origin: germline.

Athena Diagnostics
Classification: Benign. Last evaluated: 2024-11-05. Review status: criteria provided, single submitter. Criteria: Athena Diagnostics Criteria. Collection method: clinical testing. Allele origin: unknown.

GeneDx
Classification: Uncertain significance. Last evaluated: 2016-11-22. Review status: criteria provided, single submitter. Criteria: GeneDx Variant Classification (06012015). Collection method: clinical testing. Allele origin: germline. Affected: yes.
Comment: A variant of uncertain significance has been identified in the ALG13 gene. The N435S variant has not been published as a pathogenic variant, nor has it been reported as a benign variant to our knowledge. The N435S variant is a conservative amino acid substitution, which is not likely to impact secondary protein structure as these residues share similar properties. This substitution occurs at a position that is not conserved. In silico analysis predicts this variant likely does not alter the protein structure/function. However, this variant was not observed in approximately 5,100 individuals of European and African American ancestry in the NHLBI Exome Sequencing Project, indicating it is not a common benign variant in these populations. Therefore, based on the currently available information, it is unclear whether this variant is a pathogenic variant or a rare benign variant.